The following is an entry in ClinVar:

NM_007294.4(BRCA1):c.5240A>C (p.Gln1747Pro)

Gene: BRCA1 (BRCA1 DNA repair associated; minus strand). Cytogenetic location: 17q21.31.
Variant type: single nucleotide variant.
Coding change: c.5240A>C on transcript NM_007294.4 (MANE Select); coding-DNA position 5240, A replaced by C.
Protein change: p.Gln1747Pro; replaces glutamine 1747 with proline.
Molecular consequence: missense variant. On other transcripts: non-coding transcript variant (1).
Genome position (GRCh38, 1-based): chr17:43,057,089, T>G on the plus strand (A>C on the coding strand, the complement: BRCA1 is on the minus strand). VCF-style: chr17-43057089-T-G. GRCh37 (hg19) VCF-style: chr17-41209106-T-G.
Other names: c.1928A>C, p.Gln643Pro (NM_007298.4, NM_007299.4, NM_007304.2 and 13 more transcripts); c.5303A>C, p.Gln1768Pro (NM_007300.4, NM_001407583.1, NM_001407585.1 and 1 more transcripts); c.5027A>C, p.Gln1676Pro (NM_001407571.1, NM_001407900.1, NM_001407902.1 and 12 more transcripts); c.5306A>C, p.Gln1769Pro (NM_001407581.1, NM_001407582.1); c.5237A>C, p.Gln1746Pro (NM_001407610.1, NM_001407611.1, NM_001407612.1 and 17 more transcripts); c.5234A>C, p.Gln1745Pro (NM_001407629.1, NM_001407630.1, NM_001407631.1 and 14 more transcripts); c.5180A>C, p.Gln1727Pro (NM_001407649.1); c.5162A>C, p.Gln1721Pro (NM_001407652.1, NM_001407653.1, NM_001407654.1 and 1 more transcripts); and 72 more; short protein forms Q1700P, Q1768P, Q1747P, Q643P, Q1450P, Q1593P, Q1620P, Q1657P.
Identifiers: ClinVar variation 867266 (VCV000867266.6), dbSNP rs2051510661, ClinGen allele CA10591062.

ClinVar aggregate classification (germline): Conflicting classifications of pathogenicity. Review status: criteria provided, conflicting classifications (1 of 4 stars). 3 submissions from 3 submitters: Likely pathogenic (1); Uncertain significance (1). 1 of the submissions does not count toward it. Last evaluated 2023-11-22.

Conditions:
Breast-ovarian cancer, familial, susceptibility to, 1 (BROVCA1). Also called: BRCA1 Hereditary Breast and Ovarian Cancer; OVARIAN CANCER, SUSCEPTIBILITY TO. Identifiers: Orphanet 145, MedGen C2676676, MONDO:0011450, OMIM 604370. Disease mechanism: loss of function.
BRCA1-related disorder. Also called: BRCA1-related condition.
Hereditary cancer-predisposing syndrome. Also called: Tumor predisposition; Hereditary Cancer Syndrome; Hereditary neoplastic syndrome; Neoplastic Syndromes, Hereditary. Identifiers: Orphanet 140162, MedGen C0027672, MeSH D009386, MONDO:0015356.

Submissions (4):

Ambry Genetics
Classification: Uncertain significance for Hereditary cancer-predisposing syndrome. Last evaluated: 2023-11-22. Review status: criteria provided, single submitter. Criteria: Ambry Variant Classification Scheme 2023. Collection method: clinical testing. Allele origin: germline.
Comment: The p.Q1747P variant (also known as c.5240A>C), located in coding exon 18 of the BRCA1 gene, results from an A to C substitution at nucleotide position 5240. The glutamine at codon 1747 is replaced by proline, an amino acid with similar properties. One functional study found that this nucleotide substitution is non-functional in a high throughput genome editing haploid cell survival assay (Findlay GM et al. Nature, 2018 Oct;562:217-222). This amino acid position is well conserved in available vertebrate species. In addition, this alteration is predicted to be deleterious by in silico analysis. Since supporting evidence is limited at this time, the clinical significance of this alteration remains unclear.

Myriad Genetics, Inc.
Classification: Likely pathogenic for Breast-ovarian cancer, familial, susceptibility to, 1. Last evaluated: 2023-06-28. Review status: criteria provided, single submitter. Criteria: Myriad Autosomal Dominant, Autosomal Recessive and X-Linked Classification Criteria (2023). Collection method: clinical testing. Allele origin: unknown.
Comment: This variant is considered likely pathogenic. Functional studies indicate this variant impacts protein function [PMID: 30209399, 35196514].

PreventionGenetics, part of Exact Sciences
Classification: Uncertain significance for BRCA1-related condition. Last evaluated: 2024-07-15. Review status: no assertion criteria provided. Collection method: clinical testing. Allele origin: germline. Not counted in ClinVar's aggregate classification.
Comment: The BRCA1 c.5240A>C variant is predicted to result in the amino acid substitution p.Gln1747Pro. To our knowledge, this variant has not been reported in the literature in individuals with hereditary cancer or in a large population database, indicating this variant is rare. Functional studies indicate this variant impacts protein function (Adamovich AI et al. 2022. PubMed ID: 35196514; Findlay GM et al. 2018. PubMed ID: 30209399). This variant has conflicting interpretations in ClinVar from likely pathogenic to a variant of uncertain significance. Although we suspect that this variant may be pathogenic, at this time, the clinical significance of this variant is uncertain due to the absence of conclusive functional and genetic evidence.

Brotman Baty Institute, University of Washington
No classification provided (evidence only). Condition: Breast-ovarian cancer, familial 1. Review status: no classification provided. Collection method: in vitro. Allele origin: not applicable. Functional consequence: functionally_abnormal. Not counted in ClinVar's aggregate classification.
ClinVar note: "not provided" was previously submitted as the classification for the variant. However, the classification appeared to be based only on an observation of functional data so it was converted to no classification on 2025-07-30.

Literature cited by the submitters: PubMed 30209399 (cited by Ambry Genetics and Myriad Genetics, Inc.); PubMed 35196514 (cited by Myriad Genetics, Inc.).